The following is an entry in ClinVar:

NM_001323289.2(CDKL5):c.1550del (p.Phe517fs)

Gene: CDKL5 (cyclin dependent kinase like 5; plus strand). Cytogenetic location: Xp22.13.
Variant type: Deletion.
Coding change: c.1550del on transcript NM_001323289.2 (MANE Select); coding-DNA position 1550, one base deleted (T; older notation c.1550delT).
Protein change: p.Phe517fs; shifts the reading frame from phenylalanine 517.
Molecular consequence: frameshift variant.
Genome position (GRCh38, 1-based): chrX:18,604,474, T deleted; the last of 2 consecutive T bases (chrX:18,604,473-18,604,474); deleting either gives the same sequence. VCF-style (leftmost placement, unchanged base first): chrX-18604472-CT-C. GRCh37 (hg19) VCF-style: chrX-18622592-CT-C.
Other names: NM_001323289.2(CDKL5):c.1550del; p.Phe517fs; c.1550del, p.Phe517fs (NM_001037343.2, NM_003159.3); c.1550delT (NM_003159.2); short protein forms F517fs.
Identifiers: ClinVar variation 189560 (VCV000189560.3), dbSNP rs786204972, ClinGen allele CA199381.

ClinVar aggregate classification (germline): Pathogenic. Review status: criteria provided, single submitter (1 of 4 stars). 2 submissions from 2 submitters: Pathogenic (1). 1 of the submissions does not count toward it. Last evaluated 2024-09-18.

Conditions:
CDKL5 disorder. Identifiers: MedGen CN296942, MONDO:0100039.
Atypical Rett syndrome. Also called: Rett like syndrome; Variant Rett Syndrome. Identifiers: Orphanet 3095, MedGen C2748910, MONDO:0017746.

Submissions (2):

Centre for Population Genomics, CPG
Classification: Pathogenic for CDKL5 disorder. Last evaluated: 2024-09-18. Review status: criteria provided, single submitter. Criteria: McKnight et al. (Hum Mutat. 2022). Collection method: curation. Allele origin: germline. Inheritance: X-linked inheritance.
Comment: This variant has been collected from RettBASE and curated to current modified ACMG/AMP criteria. Based on the classification scheme defined by the ClinGen Rett/Angelman-like Expert Panel for Rett/AS-like Disorders Specifications to the ACMG/AMP Variant Interpretation Guidelines VCEP 3.0, this variant is classified as pathogenic. At least the following criteria are met: Predicted to result in loss of function, and LOF is a known mechanism of disease (PVS1). This variant has been identified as a de novo occurrence in an individual with CDKL5 disorder without confirmation of paternity and maternity (PM6). (RettBASE direct submission) This variant is absent from gnomAD v4 (PM2_Supporting).

RettBASE
Classification: Pathogenic for Atypical Rett syndrome. Last evaluated: 2014-05-15. Review status: no assertion criteria provided. Collection method: curation. Allele origin: de novo. Affected: yes. Observed: 1 variant allele. Not counted in ClinVar's aggregate classification.